The following is an entry in ClinVar:

ClinVar aggregate classification (germline): Uncertain significance (1 of 4 stars; one submission).

gnomAD v4.1: 3 of 1,568,578 alleles (0.00019%); highest among the groups gnomAD compares: Non-Finnish European, 0.00026%; no homozygotes.

Submission:

GeneDx
Classification: Uncertain significance. Last evaluated: 2025-03-12. Review status: criteria provided, single submitter. Criteria: GeneDx Variant Classification Process June 2021. Collection method: clinical testing. Allele origin: germline. Affected: yes.
Comment: Not observed at significant frequency in large population cohorts (gnomAD); In silico analysis supports that this missense variant has a deleterious effect on protein structure/function; Has not been previously published as pathogenic or benign to our knowledge

NM_000718.4(CACNA1B):c.5633C>T (p.Pro1878Leu)

Gene: CACNA1B (calcium voltage-gated channel subunit alpha1 B; plus strand). Cytogenetic location: 9q34.3.
Variant type: single nucleotide variant.
Coding change: c.5633C>T on transcript NM_000718.4 (MANE Select); coding-DNA position 5633, C replaced by T.
Protein change: p.Pro1878Leu; replaces proline 1878 with leucine.
Molecular consequence: missense variant.
Genome position (GRCh38, 1-based): chr9:138,114,474, C>T. VCF-style: chr9-138114474-C-T. GRCh37 (hg19) VCF-style: chr9-141008926-C-T.
Other names: c.5633C>T, p.Pro1878Leu (NM_001243812.2); short protein forms P1878L.
Identifiers: ClinVar variation 4086636 (VCV004086636.1).
Genomic context (GRCh38, chr9:138,114,474, plus strand): 5'-TGATGATATTCGACTTCTACAAGCAGAACAAAACCACCAGAGACCAGATGCAGCAGGCTC[C>T]TGGAGGCCTCTCCCAGGTAGCTGGCGGCCCTCAGTTTTCCAGGAAAACTGTGATGCCTCC-3'
Protein context (NP_000709.1, residues 1868-1888): KTTRDQMQQA[Pro1878Leu]GGLSQMGPVS